The following is an entry in ClinVar:

NM_014391.3(ANKRD1):c.323dup (p.Glu109fs)

Gene: ANKRD1 (ankyrin repeat domain 1; minus strand). Cytogenetic location: 10q23.31.
Variant type: Duplication.
Coding change: c.323dup on transcript NM_014391.3 (MANE Select); coding-DNA position 323, one base duplicated (A; older notation c.323dupA).
Protein change: p.Glu109fs; shifts the reading frame from glutamic acid 109.
Molecular consequence: frameshift variant.
Genome position (GRCh38, 1-based): chr10:90,919,153, T duplicated on the plus strand (A on the coding strand, the reverse complement: ANKRD1 is on the minus strand); the first of 3 consecutive T bases (chr10:90,919,153-90,919,155); duplicating any one gives the same sequence. VCF-style (leftmost placement, unchanged base first): chr10-90919152-C-CT. GRCh37 (hg19) VCF-style: chr10-92678909-C-CT.
Other names: short protein forms E109fs.
Identifiers: ClinVar variation 3649273 (VCV003649273.2).

ClinVar aggregate classification (germline): Uncertain significance (1 of 4 stars; one submission).

Conditions:
ANKRD1-related dilated cardiomyopathy. Identifiers: MedGen CN119551.

Submission:

Labcorp Genetics (formerly Invitae), Labcorp
Classification: Uncertain significance for ANKRD1-related dilated cardiomyopathy. Last evaluated: 2024-04-09. Review status: criteria provided, single submitter. Criteria: Invitae Variant Classification Sherloc (09022015). Collection method: clinical testing. Allele origin: germline.
Comment: This sequence change creates a premature translational stop signal (p.Glu109Glyfs*5) in the ANKRD1 gene. It is expected to result in an absent or disrupted protein product. However, the current clinical and genetic evidence is not sufficient to establish whether loss-of-function variants in ANKRD1 cause disease. This variant is not present in population databases (gnomAD no frequency). This variant has not been reported in the literature in individuals affected with ANKRD1-related conditions. Algorithms developed to predict the effect of sequence changes on RNA splicing suggest that this variant may disrupt the consensus splice site. In summary, the available evidence is currently insufficient to determine the role of this variant in disease. Therefore, it has been classified as a Variant of Uncertain Significance.